The following is an entry in ClinVar:

ClinVar aggregate classification (germline): Likely pathogenic (1 of 4 stars; one submission).

Conditions:
Vissers-Bodmer syndrome. Identifiers: MedGen C5436647, MONDO:0033618, OMIM 619033.
Holoprosencephaly 12 with or without pancreatic agenesis. Identifiers: MedGen C5193131, MONDO:0032787, OMIM 618500.

Submission:

MVZ Medizinische Genetik Mainz
Classification: Likely pathogenic for Holoprosencephaly 12 with or without pancreatic agenesis; Vissers-Bodmer syndrome. Last evaluated: 2022-05-17. Review status: criteria provided, single submitter. Criteria: UK Practice Guidelines For Variant Classification V4 01 2020. Collection method: clinical testing. Allele origin: germline. Inheritance: Autosomal dominant inheritance. Affected: yes. Observed: 1 variant allele.
Comment: PS2, PM2_SUP, PM4

NM_016284.5(CNOT1):c.3754_3756dup (p.Phe1252_Arg1253insPhe)

Gene: CNOT1 (CCR4-NOT transcription complex subunit 1; minus strand). Cytogenetic location: 16q21.
Variant type: Duplication.
Coding change: c.3754_3756dup on transcript NM_016284.5 (MANE Select); coding-DNA positions 3754 to 3756, 3 bases duplicated (TTT; older notation c.3754_3756dupTTT).
Protein change: p.Phe1252_Arg1253insPhe.
Molecular consequence: inframe insertion. On other transcripts: non-coding transcript variant (1).
Genome position (GRCh38, 1-based): chr16:58,546,744-58,546,746, AAA duplicated on the plus strand (TTT on the coding strand, the reverse complement: CNOT1 is on the minus strand); duplicating any 3 consecutive bases within chr16:58,546,744-58,546,748 gives the same sequence; the c. name uses the placement nearest the transcript's 3' end. VCF-style (leftmost placement, unchanged base first): chr16-58546743-T-TAAA. GRCh37 (hg19) VCF-style: chr16-58580647-T-TAAA.
Other names: c.3739_3741dup, p.Phe1247_Arg1248insPhe (NM_001265612.2); c.3754_3756dup, p.Phe1252_Arg1253insPhe (NM_206999.3).
Identifiers: ClinVar variation 3061856 (VCV003061856.1), dbSNP rs2543913901, ClinGen allele CA2740093400.